The following is an entry in ClinVar:

NM_000301.5(PLG):c.771_772inv (p.Asp258Asn)

Gene: PLG (plasminogen; plus strand). Cytogenetic location: 6q26.
Variant type: Inversion.
Coding change: c.771_772inv on transcript NM_000301.5 (MANE Select).
Protein change: p.Asp258Asn; replaces aspartic acid 258 with asparagine.
Molecular consequence: missense variant.
Genome position: GRCh38 VCF-style: chr6-160716747-TG-CA. GRCh37 (hg19) VCF-style: chr6-161137779-TG-CA.
Other names: short protein forms D258N.
Identifiers: ClinVar variation 2175241 (VCV002175241.4), ClinGen allele CA2580075303.

ClinVar aggregate classification (germline): Uncertain significance (1 of 4 stars; one submission).

Submission:

Labcorp Genetics (formerly Invitae), Labcorp
Classification: Uncertain significance. Last evaluated: 2026-02-02. Review status: criteria provided, single submitter. Criteria: Invitae Variant Classification Sherloc (09022015). Collection method: clinical testing. Allele origin: germline.
Comment: This sequence change replaces aspartic acid, which is acidic and polar, with asparagine, which is neutral and polar, at codon 258 of the PLG protein (p.Asp258Asn). Information on the frequency of this variant in the gnomAD database is not available, as this variant may be reported differently in the database. This variant has not been reported in the literature in individuals affected with PLG-related conditions. ClinVar contains an entry for this variant (Variation ID: 2175241). Experimental studies and prediction algorithms are not available or were not evaluated, and the functional significance of this variant is currently unknown. In summary, the available evidence is currently insufficient to determine the role of this variant in disease. Therefore, it has been classified as a Variant of Uncertain Significance.